The following is an entry in ClinVar:

NM_172166.4(MSH5):c.1716C>T (p.Thr572=)

Genes: MSH5 (mutS homolog 5; plus strand), MSH5-SAPCD1 (MSH5-SAPCD1 readthrough (NMD candidate); plus strand). Cytogenetic location: 6p21.33.
Variant type: single nucleotide variant.
Coding change: c.1716C>T on transcript NM_172166.4 (MANE Select); coding-DNA position 1716, C replaced by T.
Protein change: p.Thr572=; no amino-acid change (threonine 572 retained).
Molecular consequence: synonymous variant. On other transcripts: non-coding transcript variant (1).
Genome position (GRCh38, 1-based): chr6:31,760,120, C>T. VCF-style: chr6-31760120-C-T. GRCh37 (hg19) VCF-style: chr6-31727897-C-T.
Other names: c.1716C>T, p.Thr572= (NM_002441.5, NM_172165.4); c.1767C>T, p.Thr589= (NM_025259.6).
Identifiers: ClinVar variation 403110 (VCV000403110.4), dbSNP rs3115672, ClinGen allele CA3721421.
Genomic context (GRCh38, chr6:31,760,120, plus strand): 5'-CCATGCGAGGTGCCTCTCCGCCCACTGCAGACATCCTCTGATGGAACTCTGTGCCCGAAC[C>T]TTTGTGCCCAACTCCACAGAATGTGGTGGGGACAAAGGGAGGGTCAAAGTCATCACTGGA-3'
Protein context (NP_751898.1, residues 562-582): RHPLMELCAR[Thr572=]FVPNSTECGG

ClinVar aggregate classification (germline): Benign (1 of 4 stars; one submission).

Allele frequency attached by ClinVar (database versions not stated): 1000 Genomes Project 0.03375; 1000 Genomes Project 30x 0.03435; gnomAD exomes 0.06421 and 0.10457; ExAC 0.06750; TOPMed 0.07333; gnomAD 0.07688 and 0.08040; ESP Exome Variant Server 0.09465.
gnomAD v4.1: 162,964 of 1,607,220 alleles (10%); highest among the groups gnomAD compares: Non-Finnish European, 12%; 10,302 homozygotes.

Submission:

Laboratory for Molecular Medicine, Mass General Brigham Personalized Medicine
Classification: Benign. Last evaluated: 2016-03-29. Review status: criteria provided, single submitter. Criteria: LMM Criteria. Collection method: clinical testing. Allele origin: germline.
Comment: Variant identified in a genome or exome case(s) and assessed due to predicted null impact of the variant or pathogenic assertions in the literature or databases. Disclaimer: This variant has not undergone full assessment. The following are preliminary notes: Frequency